The following is an entry in ClinVar:

ClinVar aggregate classification (germline): Uncertain significance (1 of 4 stars; one submission).

gnomAD v4.1: 1 of 1,613,548 alleles (0.000062%); highest among the groups gnomAD compares: African/African-American, 0.0013%; no homozygotes.

Submission:

GeneDx
Classification: Uncertain significance. Last evaluated: 2024-06-18. Review status: criteria provided, single submitter. Criteria: GeneDx Variant Classification Process June 2021. Collection method: clinical testing. Allele origin: germline. Affected: yes.
Comment: Not observed at significant frequency in large population cohorts (gnomAD); In silico analysis supports that this missense variant has a deleterious effect on protein structure/function; Has not been previously published as pathogenic or benign to our knowledge

NM_005529.7(HSPG2):c.12920T>C (p.Ile4307Thr)

Genes: HSPG2 (heparan sulfate proteoglycan 2; minus strand), LDLRAD2 (low density lipoprotein receptor class A domain containing 2; plus strand). Cytogenetic location: 1p36.12.
Variant type: single nucleotide variant.
Coding change: c.12920T>C on transcript NM_005529.7 (MANE Select); coding-DNA position 12920, T replaced by C.
Protein change: p.Ile4307Thr; replaces isoleucine 4307 with threonine.
Molecular consequence: missense variant. On other transcripts: 3 prime UTR variant (1).
Genome position (GRCh38, 1-based): chr1:21,823,699, A>G on the plus strand (T>C on the coding strand, the complement: HSPG2 is on the minus strand). VCF-style: chr1-21823699-A-G. GRCh37 (hg19) VCF-style: chr1-22150192-A-G.
Other names: c.12923T>C, p.Ile4308Thr (NM_001291860.2); c.*1484A>G (NM_001013693.3); short protein forms I4307T, I4308T.
Identifiers: ClinVar variation 3391510 (VCV003391510.1).
Genomic context (GRCh38, chr1:21,823,699, plus strand): 5'-TTGACTGCCACGTTGGGACCTGGGGACCGGCCGCTGACCAGCTCCTCACCGTCGACTTGG[A>G]TGGAACCTCTGCGGCCCTCCCTGCAGTGGAACTGGGTCAGGCCCCTTTCCACAAACTTCC-3'
Protein context (NP_005520.4, residues 4297-4317): TALREGRRGS[Ile4307Thr]QVDGEELVSG